The following is an entry in ClinVar:

NM_003097.6(SNRPN):c.452C>T (p.Ala151Val)

Genes: SNHG14 (small nucleolar RNA host gene 14; plus strand), SNRPN (small nuclear ribonucleoprotein polypeptide N; plus strand), SNURF (SNRPN upstream open reading frame; plus strand). Cytogenetic location: 15q11.2.
Variant type: single nucleotide variant.
Coding change: c.452C>T on transcript NM_003097.6 (MANE Select); coding-DNA position 452, C replaced by T.
Protein change: p.Ala151Val; replaces alanine 151 with valine.
Molecular consequence: missense variant. On other transcripts: non-coding transcript variant (1), 3 prime UTR variant (1).
Genome position (GRCh38, 1-based): chr15:24,977,809, C>T. VCF-style: chr15-24977809-C-T. GRCh37 (hg19) VCF-style: chr15-25222956-C-T.
Other names: c.452C>T, p.Ala151Val (NM_001400719.1, NM_001400720.1, NM_001400721.1 and 99 more transcripts); c.464C>T, p.Ala155Val (NM_001378251.1, NM_001378252.1, NM_001378253.1 and 2 more transcripts); c.428C>T, p.Ala143Val (NM_001400767.1, NM_001378256.1, NM_001378257.1); c.188C>T, p.Ala63Val (NM_001400768.1); c.*640C>T (NM_005678.5); short protein forms A151V, A143V, A155V, A63V.
Identifiers: ClinVar variation 426452 (VCV000426452.4), dbSNP rs1085307632, ClinGen allele CA391341809.

ClinVar aggregate classification (germline): Uncertain significance (1 of 4 stars; one submission).

gnomAD v4.1: 5 of 1,613,160 alleles (0.00031%); highest among the groups gnomAD compares: South Asian, 0.0055%; no homozygotes.

Submission:

GeneDx
Classification: Uncertain significance. Last evaluated: 2017-04-17. Review status: criteria provided, single submitter. Criteria: GeneDx Variant Classification (06012015). Collection method: clinical testing. Allele origin: germline. Affected: yes.
Comment: The A151V variant in the SNRPN gene has not been reported previously as a pathogenic variant, nor as a benign variant, to our knowledge. The A151V variant is not observed in large population cohorts (Lek et al., 2016; 1000 Genomes Consortium et al., 2015; Exome Variant Server). The A151V variant is a conservative amino acid substitution, which is not likely to impact secondary protein structure as these residues share similar properties. This substitution occurs at a position that is conserved across species, and in silico analysis is inconsistent in its predictions as to whether or not the variant is damaging to to the protein structure/function. We interpret A151V as a variant of uncertain significance.